The following is an entry in ClinVar:

ClinVar aggregate classification (germline): Uncertain significance. Review status: criteria provided, multiple submitters, no conflicts (2 of 4 stars). 2 submissions from 2 submitters: Uncertain significance (2). Last evaluated 2024-10-02.

Conditions:
Alpha-methylacyl-CoA racemase deficiency (AMACRD). Also called: AMACR deficiency. Identifiers: Orphanet 79095, MedGen C3280428, MONDO:0013681, OMIM 614307. Disease mechanism: loss of function.

Allele frequency attached by ClinVar (database versions not stated): ExAC 0.00001; gnomAD exomes 0.00001 and 0.00003; gnomAD 0.00002; TOPMed 0.00002; ESP Exome Variant Server 0.00008.
gnomAD v4.1: 46 of 1,614,028 alleles (0.0029%); highest among the groups gnomAD compares: Non-Finnish European, 0.0038%; no homozygotes.

Submissions (2):

Blueprint Genetics
Classification: Uncertain significance. Last evaluated: 2024-10-02. Review status: criteria provided, single submitter. Criteria: ACMG Guidelines, 2015. Collection method: clinical testing. Allele origin: germline.

Labcorp Genetics (formerly Invitae), Labcorp
Classification: Uncertain significance for Alpha-methylacyl-CoA racemase deficiency. Last evaluated: 2022-10-05. Review status: criteria provided, single submitter. Criteria: Invitae Variant Classification Sherloc (09022015). Collection method: clinical testing. Allele origin: germline.
Comment: This sequence change creates a premature translational stop signal (p.Gln89*) in the AMACR gene. It is expected to result in an absent or disrupted protein product. However, the current clinical and genetic evidence is not sufficient to establish whether loss-of-function variants in AMACR cause disease. This variant is present in population databases (rs149566702, gnomAD 0.002%). This variant has not been reported in the literature in individuals affected with AMACR-related conditions. ClinVar contains an entry for this variant (Variation ID: 1512468). In summary, the available evidence is currently insufficient to determine the role of this variant in disease. Therefore, it has been classified as a Variant of Uncertain Significance.

NM_014324.6(AMACR):c.265C>T (p.Gln89Ter)

Genes: AMACR (alpha-methylacyl-CoA racemase; minus strand), C1QTNF3-AMACR (C1QTNF3-AMACR readthrough (NMD candidate); minus strand). Cytogenetic location: 5p13.2.
Variant type: single nucleotide variant.
Coding change: c.265C>T on transcript NM_014324.6 (MANE Select); coding-DNA position 265, C replaced by T.
Protein change: p.Gln89Ter; replaces glutamine 89 with a stop codon.
Molecular consequence: nonsense. On other transcripts: non-coding transcript variant (1).
Genome position (GRCh38, 1-based): chr5:34,005,882, G>A on the plus strand (C>T on the coding strand, the complement: AMACR is on the minus strand). VCF-style: chr5-34005882-G-A. GRCh37 (hg19) VCF-style: chr5-34005987-G-A.
Other names: c.265C>T, p.Gln89Ter (NM_001167595.2, NM_203382.3); short protein forms Q89*.
Identifiers: ClinVar variation 1512468 (VCV001512468.4), dbSNP rs149566702, ClinGen allele CA3226250.